The following is an entry in ClinVar:

NM_032383.5(HPS3):c.1352C>T (p.Ala451Val)

Gene: HPS3 (HPS3 biogenesis of lysosomal organelles complex 2 subunit 1; plus strand). Cytogenetic location: 3q24.
Variant type: single nucleotide variant.
Coding change: c.1352C>T on transcript NM_032383.5 (MANE Select); coding-DNA position 1352, C replaced by T.
Protein change: p.Ala451Val; replaces alanine 451 with valine.
Molecular consequence: missense variant.
Genome position (GRCh38, 1-based): chr3:149,153,600, C>T. VCF-style: chr3-149153600-C-T. GRCh37 (hg19) VCF-style: chr3-148871387-C-T.
Other names: c.857C>T, p.Ala286Val (NM_001308258.2); short protein forms A286V, A451V.
Identifiers: ClinVar variation 2145364 (VCV002145364.1), dbSNP rs1208963521, ClinGen allele CA354919245.

ClinVar aggregate classification (germline): Uncertain significance (1 of 4 stars; one submission).

Allele frequency attached by ClinVar (database versions not stated): TOPMed below 0.00001; gnomAD 0.00001; gnomAD exomes 0.00001.
gnomAD v4.1: 7 of 1,614,046 alleles (0.00043%); highest among the groups gnomAD compares: Non-Finnish European, 0.00059%; no homozygotes.

Submission:

Labcorp Genetics (formerly Invitae), Labcorp
Classification: Uncertain significance. Last evaluated: 2022-01-14. Review status: criteria provided, single submitter. Criteria: Invitae Variant Classification Sherloc (09022015). Collection method: clinical testing. Allele origin: germline.
Comment: This sequence change replaces alanine, which is neutral and non-polar, with valine, which is neutral and non-polar, at codon 451 of the HPS3 protein (p.Ala451Val). This variant is not present in population databases (gnomAD no frequency). This variant has not been reported in the literature in individuals affected with HPS3-related conditions. Algorithms developed to predict the effect of missense changes on protein structure and function are either unavailable or do not agree on the potential impact of this missense change (SIFT: "Tolerated"; PolyPhen-2: "Probably Damaging"; Align-GVGD: "Class C0"). In summary, the available evidence is currently insufficient to determine the role of this variant in disease. Therefore, it has been classified as a Variant of Uncertain Significance.